The following is an entry in ClinVar:

ClinVar aggregate classification (germline): Uncertain significance (1 of 4 stars; one submission).

Allele frequency attached by ClinVar (database versions not stated): ExAC 0.00001; gnomAD exomes 0.00001.
gnomAD v4.1: 4 of 1,612,520 alleles (0.00025%); highest among the groups gnomAD compares: Admixed American, 0.0067%; no homozygotes.

Submission:

GeneDx
Classification: Uncertain significance. Last evaluated: 2021-06-23. Review status: criteria provided, single submitter. Criteria: GeneDx Variant Classification Process June 2021. Collection method: clinical testing. Allele origin: germline. Affected: yes.
Comment: In silico analysis supports that this missense variant does not alter protein structure/function; Has not been previously published as pathogenic or benign to our knowledge; This variant is associated with the following publications: (PMID: 27535533)

NM_000503.6(EYA1):c.1621A>G (p.Ile541Val)

Gene: EYA1 (EYA transcriptional coactivator and phosphatase 1; minus strand). Cytogenetic location: 8q13.3.
Variant type: single nucleotide variant.
Coding change: c.1621A>G on transcript NM_000503.6 (MANE Select); coding-DNA position 1621, A replaced by G.
Protein change: p.Ile541Val; replaces isoleucine 541 with valine.
Molecular consequence: missense variant.
Genome position (GRCh38, 1-based): chr8:71,211,233, T>C on the plus strand (A>G on the coding strand, the complement: EYA1 is on the minus strand). VCF-style: chr8-71211233-T-C. GRCh37 (hg19) VCF-style: chr8-72123468-T-C.
Other names: c.1603A>G, p.Ile535Val (NM_001288574.2, NM_172059.5); c.1255A>G, p.Ile419Val (NM_001288575.2); c.1708A>G, p.Ile570Val (NM_001370333.1); c.1621A>G, p.Ile541Val (NM_001370334.1, NM_001370335.1, NM_172058.4); c.1600A>G, p.Ile534Val (NM_001370336.1); short protein forms I419V, I534V, I535V, I541V, I570V.
Identifiers: ClinVar variation 1329733 (VCV001329733.2), dbSNP rs753553594, ClinGen allele CA4779400.
Genomic context (GRCh38, chr8:71,211,233, plus strand): 5'-CTTCTTCTACACCATCTCCTATAACAACATACACCACTTTTCTTCCAAACCTTTGAATTA[T>C]TCTCTCAAAACAGCTTTCTTTTCCTAGTGAACAAAAATAAATGATAGAAAATGTGAAGTT-3'
Protein context (NP_000494.2, residues 531-551): KIGKESCFER[Ile541Val]IQRFGRKVVY